The following is an entry in ClinVar:

NM_024577.4(SH3TC2):c.*4298C>T

Gene: SH3TC2 (SH3 domain and tetratricopeptide repeats 2; minus strand). Cytogenetic location: 5q32.
Variant type: single nucleotide variant.
Coding change: c.*4298C>T on transcript NM_024577.4 (MANE Select); 4298 bases downstream of the stop codon, C replaced by T.
Molecular consequence: 3 prime UTR variant.
Genome position (GRCh38, 1-based): chr5:149,000,413, G>A on the plus strand (C>T on the coding strand, the complement: SH3TC2 is on the minus strand). VCF-style: chr5-149000413-G-A. GRCh37 (hg19) VCF-style: chr5-148379976-G-A.
Identifiers: ClinVar variation 351825 (VCV000351825.5), dbSNP rs145849837, ClinGen allele CA10623478.

ClinVar aggregate classification (germline): Benign/Likely benign. Review status: criteria provided, single submitter (1 of 4 stars). 2 submissions from 1 submitter: Benign (1); Likely benign (1). Last evaluated 2018-01-12.

Conditions:
Susceptibility to mononeuropathy of the median nerve, mild. Also called: CARPAL TUNNEL SYNDROME, SUSCEPTIBILITY TO. Identifiers: MedGen C3150596, MONDO:0013237, OMIM 613353.
Charcot-Marie-Tooth disease type 4C (CMT4C). Also called: CHARCOT-MARIE-TOOTH DISEASE, DEMYELINATING, AUTOSOMAL RECESSIVE, TYPE 4C; CMT 4C; Charcot-Marie-Tooth Neuropathy Type 4C (CMT4C); CHARCOT-MARIE-TOOTH DISEASE, DEMYELINATING, TYPE 4C; SH3TC2-Related Hereditary Motor and Sensory Neuropathy. Identifiers: Orphanet 99949, MedGen C1866636, MONDO:0011113, OMIM 601596.

Allele frequency attached by ClinVar (database versions not stated): gnomAD 0.00296; TOPMed 0.00299; 1000 Genomes Project 0.00399; 1000 Genomes Project 30x 0.00453.
gnomAD v4.1: 453 of 152,294 alleles (0.3%); highest among the groups gnomAD compares: African/African-American, 1%; 2 homozygotes.

Submissions (2):

Illumina Laboratory Services, Illumina
Classification: Benign for Susceptibility to mononeuropathy of the median nerve, mild. Last evaluated: 2018-01-12. Review status: criteria provided, single submitter. Criteria: ICSL Variant Classification Criteria 13 December 2019. Collection method: clinical testing. Allele origin: germline.
Comment: This variant was observed in the ICSL laboratory as part of a predisposition screen in an ostensibly healthy population. It had not been previously curated by ICSL or reported in the Human Gene Mutation Database (HGMD: prior to June 1st, 2018), and was therefore a candidate for classification through an automated scoring system. Utilizing variant allele frequency, disease prevalence and penetrance estimates, and inheritance mode, an automated score was calculated to assess if this variant is too frequent to cause the disease. Based on the score and internal cut-off values, a variant classified as benign is not then subjected to further curation. The score for this variant resulted in a classification of benign for this disease.

Illumina Laboratory Services, Illumina
Classification: Likely benign for Charcot-Marie-Tooth disease type 4C. Last evaluated: 2018-01-12. Review status: criteria provided, single submitter. Criteria: ICSL Variant Classification Criteria 13 December 2019. Collection method: clinical testing. Allele origin: germline.
Comment: This variant was observed in the ICSL laboratory as part of a predisposition screen in an ostensibly healthy population. It had not been previously curated by ICSL or reported in the Human Gene Mutation Database (HGMD: prior to June 1st, 2018), and was therefore a candidate for classification through an automated scoring system. Utilizing variant allele frequency, disease prevalence and penetrance estimates, and inheritance mode, an automated score was calculated to assess if this variant is too frequent to cause the disease. Based on the score and internal cut-off values, a variant classified as likely benign is not then subjected to further curation. The score for this variant resulted in a classification of likely benign for this disease.